The following is an entry in ClinVar:

ClinVar aggregate classification (germline): Uncertain significance (1 of 4 stars; one submission).

Submission:

Labcorp Genetics (formerly Invitae), Labcorp
Classification: Uncertain significance. Last evaluated: 2023-08-27. Review status: criteria provided, single submitter. Criteria: Invitae Variant Classification Sherloc (09022015). Collection method: clinical testing. Allele origin: germline.
Comment: In summary, the available evidence is currently insufficient to determine the role of this variant in disease. Therefore, it has been classified as a Variant of Uncertain Significance. Advanced modeling of protein sequence and biophysical properties (such as structural, functional, and spatial information, amino acid conservation, physicochemical variation, residue mobility, and thermodynamic stability) performed at Invitae indicates that this missense variant is expected to disrupt RAI1 protein function. This variant has not been reported in the literature in individuals affected with RAI1-related conditions. This variant is not present in population databases (gnomAD no frequency). This sequence change replaces lysine, which is basic and polar, with methionine, which is neutral and non-polar, at codon 1841 of the RAI1 protein (p.Lys1841Met).

NM_030665.4(RAI1):c.5522A>T (p.Lys1841Met)

Gene: RAI1 (retinoic acid induced 1; plus strand). Cytogenetic location: 17p11.2.
Variant type: single nucleotide variant.
Coding change: c.5522A>T on transcript NM_030665.4 (MANE Select); coding-DNA position 5522, A replaced by T.
Protein change: p.Lys1841Met; replaces lysine 1841 with methionine.
Molecular consequence: missense variant.
Genome position (GRCh38, 1-based): chr17:17,798,470, A>T. VCF-style: chr17-17798470-A-T. GRCh37 (hg19) VCF-style: chr17-17701784-A-T.
Other names: short protein forms K1841M.
Identifiers: ClinVar variation 2755430 (VCV002755430.3), dbSNP rs2543627328, ClinGen allele CA398559354.